The following is an entry in ClinVar:

NM_005458.8(GABBR2):c.868T>C (p.Trp290Arg)

Gene: GABBR2 (gamma-aminobutyric acid type B receptor subunit 2; minus strand). Cytogenetic location: 9q22.33.
Variant type: single nucleotide variant.
Coding change: c.868T>C on transcript NM_005458.8 (MANE Select); coding-DNA position 868, T replaced by C.
Protein change: p.Trp290Arg; replaces tryptophan 290 with arginine.
Molecular consequence: missense variant.
Genome position (GRCh38, 1-based): chr9:98,473,277, A>G on the plus strand (T>C on the coding strand, the complement: GABBR2 is on the minus strand). VCF-style: chr9-98473277-A-G. GRCh37 (hg19) VCF-style: chr9-101235559-A-G.
Other names: short protein forms W290R.
Identifiers: ClinVar variation 3389834 (VCV003389834.14).

ClinVar aggregate classification (germline): Uncertain significance (1 of 4 stars; one submission).

Submission:

CeGaT Center for Human Genetics Tuebingen
Classification: Uncertain significance. Last evaluated: 2024-10-01. Review status: criteria provided, single submitter. Criteria: CeGaT Center For Human Genetics Tuebingen Variant Classification Criteria Version 2. Collection method: clinical testing. Allele origin: germline. Affected: yes. Observed: 1 variant allele.
Comment: GABBR2: PM2, BP5